The following is an entry in ClinVar:

ClinVar aggregate classification (germline): Uncertain significance. Review status: criteria provided, multiple submitters, no conflicts (2 of 4 stars). 2 submissions from 2 submitters: Uncertain significance (2). Last evaluated 2023-09-19.

Conditions:
Muscular dystrophy-dystroglycanopathy (congenital with brain and eye anomalies), type A14. Also called: Congenital Muscular Dystrophy-Dystroglycanopathy with Brain and Eye Anomalies Type A 14; Congenital muscular dystrophy-dystroglycanopathy with brain and eye anomalies, type A14; Muscular dystrophy-dystroglycanopathy (congenital with brain and eye anomalies), type a, 14; WALKER-WARBURG SYNDROME OR MUSCLE-EYE-BRAIN DISEASE, GMPPB-RELATED. Identifiers: Orphanet 588, MedGen C3809216, MONDO:0014140, OMIM 615350.
Muscular dystrophy-dystroglycanopathy (congenital with impaired intellectual development), type B, 14. Also called: Congenital muscular dystrophy-dystroglycanopathy with mental retardation, type B14; MUSCULAR DYSTROPHY, CONGENITAL, GMPPB-RELATED; Muscular dystrophy-dystroglycanopathy (congenital with intellectual disability), type B14. Identifiers: MedGen C3809221, MONDO:0014141, OMIM 615351.
Autosomal recessive limb-girdle muscular dystrophy type 2T. Also called: Limb-girdle muscular dystrophy-dystroglycanopathy, type C14; MUSCULAR DYSTROPHY-DYSTROGLYCANOPATHY, LIMB-GIRDLE, GMPPB-RELATED; MUSCULAR DYSTROPHY, LIMB-GIRDLE, TYPE 2T; Muscular dystrophy-dystroglycanopathy (limb-girdle), type c, 14. Identifiers: Orphanet 363623, MedGen C4518000, MONDO:0014142, OMIM 615352.

Allele frequency attached by ClinVar (database versions not stated): TOPMed 0.00003; ExAC 0.00039; ESP Exome Variant Server 0.00008; gnomAD exomes 0.00023; gnomAD 0.00003.

Submissions (2):

Blueprint Genetics
Classification: Uncertain significance. Last evaluated: 2023-09-19. Review status: criteria provided, single submitter. Criteria: ACMG Guidelines, 2015. Collection method: clinical testing. Allele origin: germline.

Labcorp Genetics (formerly Invitae), Labcorp
Classification: Uncertain significance for Autosomal recessive limb-girdle muscular dystrophy type 2T; Muscular dystrophy-dystroglycanopathy (congenital with brain and eye anomalies), type A14; Muscular dystrophy-dystroglycanopathy (congenital with impaired intellectual development), type B, 14. Last evaluated: 2022-03-11. Review status: criteria provided, single submitter. Criteria: Invitae Variant Classification Sherloc (09022015). Collection method: clinical testing. Allele origin: germline.
Comment: In summary, the available evidence is currently insufficient to determine the role of this variant in disease. Therefore, it has been classified as a Variant of Uncertain Significance. Advanced modeling of protein sequence and biophysical properties (such as structural, functional, and spatial information, amino acid conservation, physicochemical variation, residue mobility, and thermodynamic stability) performed at Invitae indicates that this missense variant is not expected to disrupt GMPPB protein function. ClinVar contains an entry for this variant (Variation ID: 643311). This variant has not been reported in the literature in individuals affected with GMPPB-related conditions. This variant is present in population databases (rs144421130, gnomAD 0.04%). This sequence change replaces arginine, which is basic and polar, with cysteine, which is neutral and slightly polar, at codon 313 of the GMPPB protein (p.Arg313Cys).

NM_021971.4(GMPPB):c.937C>T (p.Arg313Cys)

Gene: GMPPB (GDP-mannose pyrophosphorylase B; minus strand). Cytogenetic location: 3p21.31.
Variant type: single nucleotide variant.
Coding change: c.937C>T on transcript NM_021971.4 (MANE Select); coding-DNA position 937, C replaced by T.
Protein change: p.Arg313Cys; replaces arginine 313 with cysteine.
Molecular consequence: missense variant.
Genome position (GRCh38, 1-based): chr3:49,721,979, G>A on the plus strand (C>T on the coding strand, the complement: GMPPB is on the minus strand). VCF-style: chr3-49721979-G-A. GRCh37 (hg19) VCF-style: chr3-49759412-G-A.
Other names: c.937C>T, p.Arg313Cys (NM_013334.4); short protein forms R313C.
Identifiers: ClinVar variation 643311 (VCV000643311.6), dbSNP rs144421130, ClinGen allele CA2405404.